The following is an entry in ClinVar:

ClinVar aggregate classification (germline): Uncertain significance (1 of 4 stars; one submission).

Conditions:
Cardiovascular phenotype. Identifiers: MedGen CN230736.

Submission:

Ambry Genetics
Classification: Uncertain significance for Cardiovascular phenotype. Last evaluated: 2025-10-05. Review status: criteria provided, single submitter. Criteria: Ambry Variant Classification Scheme 2023. Collection method: clinical testing. Allele origin: germline.
Comment: The p.L1289W variant (also known as c.3866T>G), located in coding exon 25 of the APOB gene, results from a T to G substitution at nucleotide position 3866. The leucine at codon 1289 is replaced by tryptophan, an amino acid with similar properties. This amino acid position is conserved. In addition, this alteration is predicted to be tolerated by in silico analysis. Since supporting evidence is limited at this time, the clinical significance of this alteration remains unclear.

NM_000384.3(APOB):c.3866T>G (p.Leu1289Trp)

Gene: APOB (apolipoprotein B; minus strand). Cytogenetic location: 2p24.1.
Variant type: single nucleotide variant.
Coding change: c.3866T>G on transcript NM_000384.3 (MANE Select); coding-DNA position 3866, T replaced by G.
Protein change: p.Leu1289Trp; replaces leucine 1289 with tryptophan.
Molecular consequence: missense variant.
Genome position (GRCh38, 1-based): chr2:21,013,510, A>C on the plus strand (T>G on the coding strand, the complement: APOB is on the minus strand). VCF-style: chr2-21013510-A-C. GRCh37 (hg19) VCF-style: chr2-21236382-A-C.
Other names: short protein forms L1289W.
Identifiers: ClinVar variation 1735645 (VCV001735645.3), dbSNP rs2465381717, ClinGen allele CA346008111.